The following is an entry in ClinVar:

ClinVar aggregate classification (germline): Uncertain significance (1 of 4 stars; one submission).

Conditions:
Neuropathy, hereditary sensory and autonomic, type 2A (HSAN2A). Also called: ACROOSTEOLYSIS, GIACCAI TYPE; ACROOSTEOLYSIS, NEUROGENIC; MORVAN DISEASE; NEUROPATHY, CONGENITAL SENSORY; NEUROPATHY, HEREDITARY SENSORY RADICULAR, AUTOSOMAL RECESSIVE; NEUROPATHY, HEREDITARY SENSORY, TYPE IIA. Identifiers: Orphanet 970, MedGen C2752089, MONDO:0024309, OMIM 201300.
Generalized epilepsy with febrile seizures plus, type 7 (GEFSP7). Also called: GEFS+, TYPE 7. Identifiers: Orphanet 36387, MedGen C2751778, MONDO:0013470, OMIM 613863.

Submission:

Labcorp Genetics (formerly Invitae), Labcorp
Classification: Uncertain significance for Neuropathy, hereditary sensory and autonomic, type 2A; Generalized epilepsy with febrile seizures plus, type 7. Last evaluated: 2025-03-07. Review status: criteria provided, single submitter. Criteria: Invitae Variant Classification Sherloc (09022015). Collection method: clinical testing. Allele origin: germline.
Comment: This sequence change replaces glutamic acid, which is acidic and polar, with glutamine, which is neutral and polar, at codon 1024 of the SCN9A protein (p.Glu1024Gln). This variant is not present in population databases (gnomAD no frequency). This variant has not been reported in the literature in individuals affected with SCN9A-related conditions. Invitae Evidence Modeling of protein sequence and biophysical properties (such as structural, functional, and spatial information, amino acid conservation, physicochemical variation, residue mobility, and thermodynamic stability) indicates that this missense variant is not expected to disrupt SCN9A protein function with a negative predictive value of 95%. In summary, the available evidence is currently insufficient to determine the role of this variant in disease. Therefore, it has been classified as a Variant of Uncertain Significance.

NM_001365536.1(SCN9A):c.3103G>C (p.Glu1035Gln)

Genes: SCN1A-AS1 (SCN1A and SCN9A antisense RNA 1; plus strand), SCN9A (sodium voltage-gated channel alpha subunit 9; minus strand). Cytogenetic location: 2q24.3.
Variant type: single nucleotide variant.
Coding change: c.3103G>C on transcript NM_001365536.1 (MANE Select); coding-DNA position 3103, G replaced by C.
Protein change: p.Glu1035Gln; replaces glutamic acid 1035 with glutamine.
Molecular consequence: missense variant.
Genome position (GRCh38, 1-based): chr2:166,272,647, C>G on the plus strand (G>C on the coding strand, the complement: SCN9A is on the minus strand). VCF-style: chr2-166272647-C-G. GRCh37 (hg19) VCF-style: chr2-167129157-C-G.
Other names: c.3070G>C, p.Glu1024Gln (NM_002977.4); short protein forms E1024Q, E1035Q.
Identifiers: ClinVar variation 4792690 (VCV004792690.1).